The following is an entry in ClinVar:

NM_000784.4(CYP27A1):c.1018-1G>C

Gene: CYP27A1 (cytochrome P450 family 27 subfamily A member 1; plus strand). Cytogenetic location: 2q35.
Variant type: single nucleotide variant.
Coding change: c.1018-1G>C on transcript NM_000784.4 (MANE Select); the canonical splice acceptor site of the intron before coding-DNA position 1018, G replaced by C.
Molecular consequence: splice acceptor variant.
Genome position (GRCh38, 1-based): chr2:218,814,020, G>C. VCF-style: chr2-218814020-G-C. GRCh37 (hg19) VCF-style: chr2-219678743-G-C.
Identifiers: ClinVar variation 1525265 (VCV001525265.9), dbSNP rs1575206658, ClinGen allele CA350591129.

ClinVar aggregate classification (germline): Likely pathogenic. Review status: criteria provided, multiple submitters, no conflicts (2 of 4 stars). 2 submissions from 2 submitters: Likely pathogenic (2). Last evaluated 2023-09-27.

Conditions:
Cholestanol storage disease (CTX). Also called: CEREBRAL CHOLESTERINOSIS; Cerebrotendinous Xanthomatosis; CTX: Cerebrotendinous xanthomatosis. Identifiers: Orphanet 909, MedGen C0238052, MONDO:0008948, OMIM 213700.

Allele frequency attached by ClinVar (database versions not stated): gnomAD exomes below 0.00001.
gnomAD v4.1: 1 of 1,614,112 alleles (0.000062%); highest among the groups gnomAD compares: East Asian, 0.0022%; no homozygotes.

Submissions (2):

Baylor Genetics
Classification: Likely pathogenic for Cholestanol storage disease. Last evaluated: 2023-09-27. Review status: criteria provided, single submitter. Criteria: ACMG Guidelines, 2015. Collection method: clinical testing. Allele origin: unknown.

Labcorp Genetics (formerly Invitae), Labcorp
Classification: Likely pathogenic for Cholestanol storage disease. Last evaluated: 2021-05-09. Review status: criteria provided, single submitter. Criteria: Invitae Variant Classification Sherloc (09022015). Collection method: clinical testing. Allele origin: germline.
Comment: In summary, the currently available evidence indicates that the variant is pathogenic, but additional data are needed to prove that conclusively. Therefore, this variant has been classified as Likely Pathogenic. Algorithms developed to predict the effect of sequence changes on RNA splicing suggest that this variant may disrupt the consensus splice site, but this prediction has not been confirmed by published transcriptional studies. This variant has not been reported in the literature in individuals with CYP27A1-related conditions. This variant is not present in population databases (ExAC no frequency). This sequence change affects an acceptor splice site in intron 5 of the CYP27A1 gene. It is expected to disrupt RNA splicing. Variants that disrupt the donor or acceptor splice site typically lead to a loss of protein function (PMID: 16199547), and loss-of-function variants in CYP27A1 are known to be pathogenic (PMID: 9392430, 10775536, 26937392).

Literature cited by the submitters: PubMed 16199547 (cited by Labcorp Genetics (formerly Invitae), Labcorp); PubMed 9392430 (cited by Labcorp Genetics (formerly Invitae), Labcorp); PubMed 10775536 (cited by Labcorp Genetics (formerly Invitae), Labcorp); PubMed 26937392 (cited by Labcorp Genetics (formerly Invitae), Labcorp).